The following is an entry in ClinVar:

ClinVar aggregate classification (germline): Uncertain significance. Review status: criteria provided, multiple submitters, no conflicts (2 of 4 stars). 3 submissions from 3 submitters: Uncertain significance (2). 1 of the submissions does not count toward it. Last evaluated 2021-11-12.

Conditions:
FN1-related disorder. Also called: FN1-related condition.
Glomerulopathy with fibronectin deposits 2 (GFND2). Identifiers: Orphanet 84090, MedGen C1866075, MONDO:0011165, OMIM 601894.
Spondylometaphyseal dysplasia - Sutcliffe type. Also called: Sutcliffe type of spondylometaphyseal dysplasia; Sutcliffe SMD; Spondylometaphyseal dysplasia, 'corner fracture' type; Spondylometaphyseal Dysplasia, Corner Fracture Type. Identifiers: Orphanet 93315, MedGen C0432221, MONDO:0008479, OMIM 184255.

Allele frequency attached by ClinVar (database versions not stated): gnomAD 0.00001; gnomAD exomes 0.00001 and 0.00002; ExAC 0.00002; TOPMed 0.00002; 1000 Genomes Project 30x 0.00016; 1000 Genomes Project 0.00020.
gnomAD v4.1: 11 of 1,613,792 alleles (0.00068%); highest among the groups gnomAD compares: Admixed American, 0.005%; no homozygotes.

Submissions (3):

Fulgent Genetics
Classification: Uncertain significance for Spondylometaphyseal dysplasia - Sutcliffe type; Glomerulopathy with fibronectin deposits 2. Last evaluated: 2021-11-12. Review status: criteria provided, single submitter. Criteria: ACMG Guidelines, 2015. Collection method: clinical testing. Allele origin: unknown.

Labcorp Genetics (formerly Invitae), Labcorp
Classification: Uncertain significance. Last evaluated: 2020-08-20. Review status: criteria provided, single submitter. Criteria: Invitae Variant Classification Sherloc (09022015). Collection method: clinical testing. Allele origin: germline.
Comment: This variant has not been reported in the literature in individuals with FN1-related conditions. This sequence change replaces alanine with valine at codon 810 of the FN1 protein (p.Ala810Val). The alanine residue is highly conserved and there is a small physicochemical difference between alanine and valine. This variant is present in population databases (rs568343071, ExAC 0.01%). Algorithms developed to predict the effect of missense changes on protein structure and function are either unavailable or do not agree on the potential impact of this missense change (SIFT: "Not Available"; PolyPhen-2: "Probably Damaging"; Align-GVGD: "Not Available"). In summary, the available evidence is currently insufficient to determine the role of this variant in disease. Therefore, it has been classified as a Variant of Uncertain Significance.

PreventionGenetics, part of Exact Sciences
Classification: Uncertain significance for FN1-related condition. Last evaluated: 2024-06-27. Review status: no assertion criteria provided. Collection method: clinical testing. Allele origin: germline. Not counted in ClinVar's aggregate classification.
Comment: The FN1 c.2429C>T variant is predicted to result in the amino acid substitution p.Ala810Val. To our knowledge, this variant has not been reported in the literature. This variant is reported in 0.0065% of alleles in individuals of South Asian descent in gnomAD. At this time, the clinical significance of this variant is uncertain due to the absence of conclusive functional and genetic evidence.

NM_212482.4(FN1):c.2429C>T (p.Ala810Val)

Gene: FN1 (fibronectin 1; minus strand). Cytogenetic location: 2q35.
Variant type: single nucleotide variant.
Coding change: c.2429C>T on transcript NM_212482.4 (MANE Select); coding-DNA position 2429, C replaced by T.
Protein change: p.Ala810Val; replaces alanine 810 with valine.
Molecular consequence: missense variant.
Genome position (GRCh38, 1-based): chr2:215,408,197, G>A on the plus strand (C>T on the coding strand, the complement: FN1 is on the minus strand). VCF-style: chr2-215408197-G-A. GRCh37 (hg19) VCF-style: chr2-216272920-G-A.
Other names: c.2429C>T, p.Ala810Val (NM_001306129.2, NM_001306130.2, NM_001306131.2 and 13 more transcripts); c.2429C>T (NM_212482.2); short protein forms A810V.
Identifiers: ClinVar variation 1010246 (VCV001010246.10), dbSNP rs568343071, ClinGen allele CA2094976.